The following is an entry in ClinVar:

ClinVar aggregate classification (germline): Conflicting classifications of pathogenicity. Review status: criteria provided, conflicting classifications (1 of 4 stars). 5 submissions from 4 submitters: Uncertain significance (3); Benign (1); Likely benign (1). Last evaluated 2025-08-22.

Conditions:
Aortic valve disease 1 (AOVD1). Identifiers: MedGen C3887892, MONDO:0024523, OMIM 109730.
Adams-Oliver syndrome 5 (AOS5). Identifiers: Orphanet 974, MedGen C4014970, MONDO:0014459, OMIM 616028.
Familial thoracic aortic aneurysm and aortic dissection (TAAD). Also called: Thoracic aortic aneurysms and dissections. Identifiers: Orphanet 91387, MedGen C4707243, MONDO:0019625.

Allele frequency attached by ClinVar (database versions not stated): TOPMed 0.00001; gnomAD exomes 0.00002; ExAC 0.00004; gnomAD 0.00007; ESP Exome Variant Server 0.00025.
gnomAD v4.1: 43 of 1,610,520 alleles (0.0027%); highest among the groups gnomAD compares: Non-Finnish European, 0.0034%; no homozygotes.

Submissions (5):

Labcorp Genetics (formerly Invitae), Labcorp
Classification: Benign for Adams-Oliver syndrome 5. Last evaluated: 2025-08-22. Review status: criteria provided, single submitter. Criteria: Invitae Variant Classification Sherloc (09022015). Collection method: clinical testing. Allele origin: germline.

Ambry Genetics
Classification: Likely benign for Familial thoracic aortic aneurysm and aortic dissection. Last evaluated: 2024-03-07. Review status: criteria provided, single submitter. Criteria: Ambry Variant Classification Scheme 2023. Collection method: clinical testing. Allele origin: germline.

Genome-Nilou Lab
Classification: Uncertain significance for Adams-Oliver syndrome 5. Last evaluated: 2022-03-15. Review status: criteria provided, single submitter. Criteria: ACMG Guidelines, 2015. Collection method: clinical testing. Allele origin: germline. Affected: no.

Genome-Nilou Lab
Classification: Uncertain significance for Aortic valve disease 1. Last evaluated: 2022-03-15. Review status: criteria provided, single submitter. Criteria: ACMG Guidelines, 2015. Collection method: clinical testing. Allele origin: germline. Affected: no.

GeneDx
Classification: Uncertain significance. Last evaluated: 2021-10-06. Review status: criteria provided, single submitter. Criteria: GeneDx Variant Classification Process June 2021. Collection method: clinical testing. Allele origin: germline. Affected: yes.
Comment: Has not been previously published as pathogenic or benign to our knowledge; In silico analysis supports that this missense variant does not alter protein structure/function; Reported in ClinVar as a variant of uncertain significance (ClinVar Variant ID# 477929; Landrum et al., 2016); This variant is associated with the following publications: (PMID: 26582918)

NM_017617.5(NOTCH1):c.4307C>T (p.Ala1436Val)

Gene: NOTCH1 (notch receptor 1; minus strand). Cytogenetic location: 9q34.3.
Variant type: single nucleotide variant.
Coding change: c.4307C>T on transcript NM_017617.5 (MANE Select); coding-DNA position 4307, C replaced by T.
Protein change: p.Ala1436Val; replaces alanine 1436 with valine.
Molecular consequence: missense variant.
Genome position (GRCh38, 1-based): chr9:136,505,589, G>A on the plus strand (C>T on the coding strand, the complement: NOTCH1 is on the minus strand). VCF-style: chr9-136505589-G-A. GRCh37 (hg19) VCF-style: chr9-139400041-G-A.
Other names: c.4307C>T, p.Ala1436Val (LRG_1122t1); short protein forms A1436V.
Identifiers: ClinVar variation 477929 (VCV000477929.11), dbSNP rs371303106, ClinGen allele CA5340652.